The following is an entry in ClinVar:

NM_005087.4(FXR1):c.753C>T (p.Thr251=)

Gene: FXR1 (FMR1 autosomal homolog 1; plus strand). Cytogenetic location: 3q26.33.
Variant type: single nucleotide variant.
Coding change: c.753C>T on transcript NM_005087.4 (MANE Select); coding-DNA position 753, C replaced by T.
Protein change: p.Thr251=; no amino-acid change (threonine 251 retained).
Molecular consequence: synonymous variant.
Genome position (GRCh38, 1-based): chr3:180,951,420, C>T. VCF-style: chr3-180951420-C-T. GRCh37 (hg19) VCF-style: chr3-180669208-C-T.
Other names: c.753C>T, p.Thr251= (NM_001013438.3); c.498C>T, p.Thr166= (NM_001013439.3, NM_001363882.1).
Identifiers: ClinVar variation 777377 (VCV000777377.37), dbSNP rs73176330, ClinGen allele CA2716578.

ClinVar aggregate classification (germline): Benign/Likely benign. Review status: criteria provided, multiple submitters, no conflicts (2 of 4 stars). 3 submissions from 3 submitters: Benign (1); Likely benign (2). Last evaluated 2026-09-01.

Allele frequency attached by ClinVar (database versions not stated): 1000 Genomes Project 30x 0.00406; 1000 Genomes Project 0.00439; TOPMed 0.00453; ESP Exome Variant Server 0.00561; gnomAD exomes 0.00815 and 0.00868; ExAC 0.00817; gnomAD 0.00854 and 0.00902.
gnomAD v4.1: 13,075 of 1,612,652 alleles (0.81%); highest among the groups gnomAD compares: Non-Finnish European, 0.79%; 106 homozygotes.

Submissions (3):

CeGaT Center for Human Genetics Tuebingen
Classification: Likely benign. Last evaluated: 2026-09-01. Review status: criteria provided, single submitter. Criteria: CeGaT Center For Human Genetics Tuebingen Variant Classification Criteria Version 2. Collection method: clinical testing. Allele origin: germline. Affected: yes. Observed: 25 variant alleles.
Comment: FXR1: BP4, BP7, BS2

Labcorp Genetics (formerly Invitae), Labcorp
Classification: Benign. Last evaluated: 2018-06-27. Review status: criteria provided, single submitter. Criteria: Invitae Variant Classification Sherloc (09022015). Collection method: clinical testing. Allele origin: germline.

Breakthrough Genomics
Classification: Likely benign. Review status: criteria provided, single submitter. Criteria: ACMG Guidelines, 2015. Collection method: not provided. Allele origin: germline. Inheritance: Autosomal recessive inheritance. Affected: yes.